The following is an entry in ClinVar:

ClinVar aggregate classification (germline): Uncertain significance (1 of 4 stars; one submission).

Conditions:
X-linked severe congenital neutropenia (SCNX). Identifiers: Orphanet 86788, MedGen C1845987, MONDO:0010294, OMIM 300299.
Thrombocytopenia 1. Also called: X-linked thrombocytopenia with normal platelets; X-Linked Thrombocytopenia (XLT); THROMBOCYTOPENIA, X-LINKED, 1. Identifiers: Orphanet 268322, Orphanet 852, MedGen C1839163, MONDO:0010743, OMIM 313900.
Wiskott-Aldrich syndrome (WAS). Also called: WISKOTT-ALDRICH SYNDROME 1; ALDRICH SYNDROME; IMMUNODEFICIENCY 2; Wiskott-aldrich syndrome, somatic. Identifiers: Orphanet 906, MedGen C0043194, MONDO:0010518, OMIM 301000.

Submission:

Labcorp Genetics (formerly Invitae), Labcorp
Classification: Uncertain significance for Wiskott-Aldrich syndrome; X-linked severe congenital neutropenia; Thrombocytopenia 1. Last evaluated: 2022-06-13. Review status: criteria provided, single submitter. Criteria: Invitae Variant Classification Sherloc (09022015). Collection method: clinical testing. Allele origin: germline.
Comment: This sequence change affects codon 259 of the WAS mRNA. It is a 'silent' change, meaning that it does not change the encoded amino acid sequence of the WAS protein. It affects a nucleotide within the consensus splice site. This variant is not present in population databases (gnomAD no frequency). This variant has been observed in individual(s) with a family history of multiple severe congenital viral and mycobacterial infections (PMID: 28600779). Algorithms developed to predict the effect of sequence changes on RNA splicing suggest that this variant is not likely to affect RNA splicing. In summary, the available evidence is currently insufficient to determine the role of this variant in disease. Therefore, it has been classified as a Variant of Uncertain Significance.

Literature cited by the submitters: PubMed 28600779.

NM_000377.3(WAS):c.777C>T (p.Asp259=)

Gene: WAS (WASP actin nucleation promoting factor; plus strand). Cytogenetic location: Xp11.23.
Variant type: single nucleotide variant.
Coding change: c.777C>T on transcript NM_000377.3 (MANE Select); coding-DNA position 777, C replaced by T.
Protein change: p.Asp259=; no amino-acid change (aspartic acid 259 retained).
Molecular consequence: synonymous variant.
Genome position (GRCh38, 1-based): chrX:48,688,096, C>T. VCF-style: chrX-48688096-C-T. GRCh37 (hg19) VCF-style: chrX-48546485-C-T.
Identifiers: ClinVar variation 1387177 (VCV001387177.3), dbSNP rs2147265709, ClinGen allele CA516023608.